The following is an entry in ClinVar:

NM_000051.4(ATM):c.2250+2T>C

Gene: ATM (ATM serine/threonine kinase; plus strand). Cytogenetic location: 11q22.3.
Variant type: single nucleotide variant.
Coding change: c.2250+2T>C on transcript NM_000051.4 (MANE Select); the canonical splice donor site of the intron after coding-DNA position 2250, T replaced by C.
Molecular consequence: splice donor variant.
Genome position (GRCh38, 1-based): chr11:108,256,342, T>C. VCF-style: chr11-108256342-T-C. GRCh37 (hg19) VCF-style: chr11-108127069-T-C.
Other names: c.2250+2T>C (NM_001351834.2).
Identifiers: ClinVar variation 478961 (VCV000478961.16), dbSNP rs1555075037, ClinGen allele CA382539329.

ClinVar aggregate classification (germline): Pathogenic/Likely pathogenic. Review status: criteria provided, multiple submitters, no conflicts (2 of 4 stars). 4 submissions from 4 submitters: Pathogenic (2); Likely pathogenic (2). Last evaluated 2025-07-08.

Conditions:
Hereditary cancer-predisposing syndrome. Also called: Tumor predisposition; Neoplastic Syndromes, Hereditary; Hereditary Cancer Syndrome; Hereditary neoplastic syndrome. Identifiers: Orphanet 140162, MedGen C0027672, MeSH D009386, MONDO:0015356.
Familial cancer of breast. Also called: BREAST CANCER, FAMILIAL; Hereditary breast cancer; hereditary breast carcinoma. Identifiers: Orphanet 227535, MedGen C0346153, MONDO:0016419, OMIM 114480. Disease mechanism: loss of function.
Ataxia-telangiectasia syndrome (AT). Also called: Cerebello-oculocutaneous telangiectasia; Immunodeficiency with ataxia telangiectasia; ATAXIA-TELANGIECTASIA, COMPLEMENTATION GROUP A; Ataxia-telangiectasia, complementation group D; AT, COMPLEMENTATION GROUP C; ATAXIA-TELANGIECTASIA, FRESNO VARIANT. Identifiers: Orphanet 100, MedGen C0004135, MONDO:0008840, OMIM 208900.

Submissions (4):

Ambry Genetics
Classification: Likely pathogenic for Hereditary cancer-predisposing syndrome. Last evaluated: 2025-07-08. Review status: criteria provided, single submitter. Criteria: Ambry Variant Classification Scheme 2023. Collection method: clinical testing. Allele origin: germline.
Comment: The c.2250+2T>C intronic variant results from a T to C substitution two nucleotides after coding exon 13 in the ATM gene. This nucleotide position is highly conserved in available vertebrate species. In silico splice site analysis predicts that this alteration will weaken the native splice donor site; however, direct evidence is insufficient at this time (Ambry internal data). Alterations that disrupt the canonical splice site are expected to cause aberrant splicing, resulting in an abnormal protein or a transcript that is subject to nonsense-mediated mRNA decay. As such, this alteration is classified as likely pathogenic.

Women's Health and Genetics/Laboratory Corporation of America, LabCorp
Classification: Likely pathogenic for Ataxia-telangiectasia syndrome. Last evaluated: 2024-10-09. Review status: criteria provided, single submitter. Criteria: LabCorp Variant Classification Summary - May 2015. Collection method: clinical testing. Allele origin: germline.
Comment: Variant summary: ATM c.2250+2T>C is located in a canonical splice-site and is predicted to affect mRNA splicing resulting in a significantly altered protein due to either exon skipping, shortening, or inclusion of intronic material. Variants that disrupt the consensus splice site are a relatively common cause of aberrant splicing and loss of ATM function. Computational tools predict a significant impact on normal splicing: Two predict the variant abolishes a canonical 5' splicing donor site. One predicts the variant has no significant impact on splicing. However, these predictions have yet to be confirmed by functional studies. The variant was absent in 250650 control chromosomes (gnomAD). c.2250+2T>C has been reported in the literature in individuals affected with Ataxia-Telangiectasia or Ovarian Cancer (Castellvi-Bel_1999, Lilyquist_2017). These data indicate that the variant may be associated with disease. To our knowledge, no experimental evidence demonstrating an impact on protein function has been reported. The following publications have been ascertained in the context of this evaluation (PMID: 10425038, 28888541). ClinVar contains an entry for this variant (Variation ID: 478961). Based on the evidence outlined above, the variant was classified as likely pathogenic.

Labcorp Genetics (formerly Invitae), Labcorp
Classification: Pathogenic for Ataxia-telangiectasia syndrome. Last evaluated: 2023-07-07. Review status: criteria provided, single submitter. Criteria: Invitae Variant Classification Sherloc (09022015). Collection method: clinical testing. Allele origin: germline.
Comment: This sequence change affects a donor splice site in intron 14 of the ATM gene. RNA analysis indicates that disruption of this splice site induces altered splicing and likely results in a shortened protein product. This variant is not present in population databases (gnomAD no frequency). Disruption of this splice site has been observed in individual(s) with ataxia telangiectasia (PMID: 10425038). ClinVar contains an entry for this variant (Variation ID: 478961). Studies have shown that disruption of this splice site results in skipping of exon 14, but is expected to preserve the integrity of the reading-frame (Invitae). Other variant(s) that result in skipping of exon 14 have been determined to be pathogenic (PMID: 9887333, 10330348; Invitae). This suggests that this variant may also be clinically significant and likely to be disease-causing. For these reasons, this variant has been classified as Pathogenic.

Baylor Genetics
Classification: Pathogenic for Familial cancer of breast. Last evaluated: 2022-10-04. Review status: criteria provided, single submitter. Criteria: ACMG Guidelines, 2015. Collection method: clinical testing. Allele origin: unknown.

Literature cited by the submitters: PubMed 10425038 (cited by 3 submitters); PubMed 25525159 (cited by Ambry Genetics); PubMed 28888541 (cited by Women's Health and Genetics/Laboratory Corporation of America, LabCorp); PubMed 9887333 (cited by Labcorp Genetics (formerly Invitae), Labcorp); PubMed 10330348 (cited by Labcorp Genetics (formerly Invitae), Labcorp).